The following is an entry in ClinVar:

ClinVar aggregate classification (germline): Uncertain significance (1 of 4 stars; one submission).

Conditions:
Paramyotonia congenita of Von Eulenburg. Also called: Paramyotonia Congenita; PARALYSIS PERIODICA PARAMYOTONICA; Eulenburg disease; Myotonia congenita intermittens; Von Eulenburg paramyotonia congenita. Identifiers: Orphanet 684, MedGen C0221055, MONDO:0008195, OMIM 168300. Disease mechanism: loss of function.

Submission:

Neuberg Centre For Genomic Medicine, NCGM
Classification: Uncertain significance for Paramyotonia congenita of Von Eulenburg. Last evaluated: 2023-05-20. Review status: criteria provided, single submitter. Criteria: ACMG Guidelines, 2015. Collection method: clinical testing. Allele origin: germline. Inheritance: Autosomal dominant inheritance. Affected: yes.
Comment: The observed missense variant c.4784C>G (p.Ala1595Gly) in the SCN4A gene has not been reported previously as a pathogenic variant nor as a benign variant, to our knowledge. This variant is absent in the gnomAD Exomes. The amino acid Alanine at position 1595 is changed to a Glycine changing protein sequence and it might alter its composition and physico-chemical properties. Multiple lines of computational evidence (Polyphen - Damaging, SIFT - Damaging and MutationTaster - Disease causing) predict a damaging effect on protein structure and function for this variant. The residue is conserved by GERP++ and PhyloP across 100 vertebrates. For these reasons, this variant has been classified as Uncertain Significance.

NM_000334.4(SCN4A):c.4784C>G (p.Ala1595Gly)

Genes: GH-LCR (growth hormone locus control region; plus strand), SCN4A (sodium voltage-gated channel alpha subunit 4; minus strand). Cytogenetic location: 17q23.3.
Variant type: single nucleotide variant.
Coding change: c.4784C>G on transcript NM_000334.4 (MANE Select); coding-DNA position 4784, C replaced by G.
Protein change: p.Ala1595Gly; replaces alanine 1595 with glycine.
Molecular consequence: missense variant.
Genome position (GRCh38, 1-based): chr17:63,941,498, G>C on the plus strand (C>G on the coding strand, the complement: SCN4A is on the minus strand). VCF-style: chr17-63941498-G-C. GRCh37 (hg19) VCF-style: chr17-62018858-G-C.
Other names: short protein forms A1595G.
Identifiers: ClinVar variation 3341436 (VCV003341436.1).